The following is an entry in ClinVar:

ClinVar aggregate classification (germline): Benign/Likely benign. Review status: criteria provided, multiple submitters, no conflicts (2 of 4 stars). 5 submissions from 5 submitters: Benign (2); Likely benign (3). Last evaluated 2025-12-17.

Conditions:
Hereditary spherocytosis type 1. Also called: ANK1-Related Spherocytosis; Spherocytosis type 1. Identifiers: Orphanet 822, MedGen C2674218, MONDO:0008447, OMIM 182900.

Allele frequency attached by ClinVar (database versions not stated): gnomAD 0.00057 and 0.00063; TOPMed 0.00060; ESP Exome Variant Server 0.00077; 1000 Genomes Project 30x 0.00094; 1000 Genomes Project 0.00120.
gnomAD v4.1: 200 of 1,614,238 alleles (0.012%); highest among the groups gnomAD compares: African/African-American, 0.24%; 2 homozygotes.

Submissions (5):

Labcorp Genetics (formerly Invitae), Labcorp
Classification: Benign. Last evaluated: 2025-12-17. Review status: criteria provided, single submitter. Criteria: Invitae Variant Classification Sherloc (09022015). Collection method: clinical testing. Allele origin: germline.

CeGaT Center for Human Genetics Tuebingen
Classification: Likely benign. Last evaluated: 2024-12-01. Review status: criteria provided, single submitter. Criteria: CeGaT Center For Human Genetics Tuebingen Variant Classification Criteria Version 2. Collection method: clinical testing. Allele origin: germline. Affected: yes. Observed: 1 variant allele.
Comment: ANK1: BP4, BP7

Blueprint Genetics
Classification: Likely benign. Last evaluated: 2024-10-08. Review status: criteria provided, single submitter. Criteria: ACMG Guidelines, 2015. Collection method: clinical testing. Allele origin: germline.

Genome-Nilou Lab
Classification: Benign for Hereditary spherocytosis type 1. Last evaluated: 2021-12-05. Review status: criteria provided, single submitter. Criteria: ACMG Guidelines, 2015. Collection method: clinical testing. Allele origin: germline. Affected: no.

ARUP Laboratories, Molecular Genetics and Genomics, ARUP Laboratories
Classification: Likely benign for Hereditary spherocytosis type 1. Last evaluated: 2021-05-25. Review status: criteria provided, single submitter. Criteria: ARUP Molecular Germline Variant Investigation Process 2021. Collection method: clinical testing. Allele origin: germline.

NM_000037.4(ANK1):c.1467G>A (p.Leu489=)

Gene: ANK1 (ankyrin 1; minus strand). Cytogenetic location: 8p11.21.
Variant type: single nucleotide variant.
Coding change: c.1467G>A on transcript NM_000037.4 (MANE Select); coding-DNA position 1467, G replaced by A.
Protein change: p.Leu489=; no amino-acid change (leucine 489 retained).
Molecular consequence: synonymous variant.
Genome position (GRCh38, 1-based): chr8:41,715,787, C>T on the plus strand (G>A on the coding strand, the complement: ANK1 is on the minus strand). VCF-style: chr8-41715787-C-T. GRCh37 (hg19) VCF-style: chr8-41573305-C-T.
Other names: c.1566G>A, p.Leu522= (NM_001142446.2); c.1467G>A, p.Leu489= (NM_020475.3, NM_020476.3, NM_020477.3).
Identifiers: ClinVar variation 711500 (VCV000711500.28), dbSNP rs148165519, ClinGen allele CA4728605.